The following is an entry in ClinVar:

NM_020693.4(DSCAML1):c.6011C>T (p.Pro2004Leu)

Gene: DSCAML1 (DS cell adhesion molecule like 1; minus strand). Cytogenetic location: 11q23.3.
Variant type: single nucleotide variant.
Coding change: c.6011C>T on transcript NM_020693.4 (MANE Select); coding-DNA position 6011, C replaced by T.
Protein change: p.Pro2004Leu; replaces proline 2004 with leucine.
Molecular consequence: missense variant.
Genome position (GRCh38, 1-based): chr11:117,428,479, G>A on the plus strand (C>T on the coding strand, the complement: DSCAML1 is on the minus strand). VCF-style: chr11-117428479-G-A. GRCh37 (hg19) VCF-style: chr11-117299195-G-A.
Other names: short protein forms P2004L.
Identifiers: ClinVar variation 1932135 (VCV001932135.5), dbSNP rs755988012, ClinGen allele CA6295895.
Genomic context (GRCh38, chr11:117,428,479, plus strand): 5'-CTGGAGCCCCCCATTTTGGTGTGTGGGCCCCCGGCTCGTGGAGGCTCGGTGCTGGGGGCC[G>A]GAGGGGCAGCGCTGGGGGCGGTGGGTGGCTCAGCAGGGGTGGGGCCGGGGGCTGGGGGGG-3'
Protein context (NP_065744.3, residues 1994-2014): EPPTAPSAAP[Pro2004Leu]APSTEPPRAG

ClinVar aggregate classification (germline): Uncertain significance (1 of 4 stars; one submission).

Allele frequency attached by ClinVar (database versions not stated): gnomAD exomes 0.00002; gnomAD 0.00003; ExAC 0.00004.
gnomAD v4.1: 34 of 1,533,546 alleles (0.0022%); highest among the groups gnomAD compares: East Asian, 0.011%; no homozygotes.

Submission:

Labcorp Genetics (formerly Invitae), Labcorp
Classification: Uncertain significance. Last evaluated: 2023-12-11. Review status: criteria provided, single submitter. Criteria: Invitae Variant Classification Sherloc (09022015). Collection method: clinical testing. Allele origin: germline.
Comment: This sequence change replaces proline, which is neutral and non-polar, with leucine, which is neutral and non-polar, at codon 2064 of the DSCAML1 protein (p.Pro2064Leu). This variant is present in population databases (rs755988012, gnomAD 0.006%). This variant has not been reported in the literature in individuals affected with DSCAML1-related conditions. ClinVar contains an entry for this variant (Variation ID: 1932135). An algorithm developed to predict the effect of missense changes on protein structure and function (PolyPhen-2) suggests that this variant is likely to be tolerated. In summary, the available evidence is currently insufficient to determine the role of this variant in disease. Therefore, it has been classified as a Variant of Uncertain Significance.